The following is an entry in ClinVar:

NM_000059.4(BRCA2):c.2125_2126del (p.Leu709fs)

Gene: BRCA2 (BRCA2 DNA repair associated; plus strand). Cytogenetic location: 13q13.1.
Variant type: Microsatellite.
Coding change: c.2125_2126del on transcript NM_000059.4 (MANE Select); coding-DNA positions 2125 to 2126, 2 bases deleted (CT; older notation c.2125_2126delCT).
Protein change: p.Leu709fs; shifts the reading frame from leucine 709.
Molecular consequence: frameshift variant.
Genome position (GRCh38, 1-based): chr13:32,336,480-32,336,481, CT deleted; deleting any 2 consecutive bases within chr13:32,336,477-32,336,481 gives the same sequence; the c. name uses the placement nearest the transcript's 3' end. VCF-style (leftmost placement, unchanged base first): chr13-32336476-TTC-T. GRCh37 (hg19) VCF-style: chr13-32910613-TTC-T.
Other names: 2353delCT; c.2125_2126delCT (NM_000059.3); short protein forms L709fs.
Identifiers: ClinVar variation 252816 (VCV000252816.8), dbSNP rs879255441, ClinGen allele CA10586055.

ClinVar aggregate classification (germline): Pathogenic. Review status: reviewed by expert panel (3 of 4 stars). 4 submissions from 4 submitters: Pathogenic (1). 3 of the submissions do not count toward it. Last evaluated 2017-12-15.

Conditions:
Hereditary cancer-predisposing syndrome. Also called: Tumor predisposition; Hereditary Cancer Syndrome; Neoplastic Syndromes, Hereditary; Hereditary neoplastic syndrome. Identifiers: Orphanet 140162, MedGen C0027672, MeSH D009386, MONDO:0015356.
Hereditary breast ovarian cancer syndrome. Also called: Hereditary breast and ovarian cancer; Breast and ovarian cancer; Hereditary breast and/or ovarian cancer syndrome; BRCA1- and BRCA2-Associated Hereditary Breast and Ovarian Cancer; Hereditary breast and ovarian cancer syndrome; Hereditary breast and ovarian cancer syndrome (HBOC). Identifiers: Orphanet 145, MedGen C0677776, MeSH D061325, MONDO:0003582. Disease mechanism: loss of function.
Breast-ovarian cancer, familial, susceptibility to, 2 (BROVCA2). Also called: BRCA2 Hereditary Breast and Ovarian Cancer. Identifiers: Orphanet 145, MedGen C2675520, MONDO:0012933, OMIM 612555. Disease mechanism: loss of function.

Submissions (4):

Evidence-based Network for the Interpretation of Germline Mutant Alleles (ENIGMA)
Classification: Pathogenic for Breast-ovarian cancer, familial, susceptibility to, 2. Last evaluated: 2017-12-15. Review status: reviewed by expert panel. Criteria: ENIGMA BRCA1/2 Classification Criteria (2017-06-29). Collection method: curation. Allele origin: germline. Study: ENIGMA.
Comment: Variant allele predicted to encode a truncated non-functional protein.

Ambry Genetics
Classification: Pathogenic for Hereditary cancer-predisposing syndrome. Last evaluated: 2025-01-31. Review status: criteria provided, single submitter. Criteria: Ambry Variant Classification Scheme 2023. Collection method: clinical testing. Allele origin: germline. Not counted in ClinVar's aggregate classification.
Comment: The c.2125_2126delCT pathogenic mutation, located in coding exon 10 of the BRCA2 gene, results from a deletion of two nucleotides at nucleotide positions 2125 to 2126, causing a translational frameshift with a predicted alternate stop codon (p.L709Vfs*9). This alteration is expected to result in loss of function by premature protein truncation or nonsense-mediated mRNA decay. As such, this alteration is interpreted as a disease-causing mutation.

Labcorp Genetics (formerly Invitae), Labcorp
Classification: Pathogenic for Hereditary breast ovarian cancer syndrome. Last evaluated: 2022-01-19. Review status: criteria provided, single submitter. Criteria: Invitae Variant Classification Sherloc (09022015). Collection method: clinical testing. Allele origin: germline. Not counted in ClinVar's aggregate classification.
Comment: ClinVar contains an entry for this variant (Variation ID: 252816). For these reasons, this variant has been classified as Pathogenic. This variant has not been reported in the literature in individuals affected with BRCA2-related conditions. This variant is not present in population databases (gnomAD no frequency). This sequence change creates a premature translational stop signal (p.Leu709Valfs*9) in the BRCA2 gene. It is expected to result in an absent or disrupted protein product. Loss-of-function variants in BRCA2 are known to be pathogenic (PMID: 20104584).

Sharing Clinical Reports Project (SCRP)
Classification: Pathogenic for Breast-ovarian cancer, familial 2. Last evaluated: 2013-05-10. Review status: no assertion criteria provided. Collection method: clinical testing. Allele origin: germline. Not counted in ClinVar's aggregate classification.

Literature cited by the submitters: PubMed 20104584 (cited by Labcorp Genetics (formerly Invitae), Labcorp).